The following is an entry in ClinVar:

NM_014252.4(SLC25A15):c.564C>G (p.Phe188Leu)

Gene: SLC25A15 (solute carrier family 25 member 15; plus strand). Cytogenetic location: 13q14.11.
Variant type: single nucleotide variant.
Coding change: c.564C>G on transcript NM_014252.4 (MANE Select); coding-DNA position 564, C replaced by G.
Protein change: p.Phe188Leu; replaces phenylalanine 188 with leucine.
Molecular consequence: missense variant.
Genome position (GRCh38, 1-based): chr13:40,807,405, C>G. VCF-style: chr13-40807405-C-G. GRCh37 (hg19) VCF-style: chr13-41381541-C-G.
Other names: short protein forms F188L.
Identifiers: ClinVar variation 38399 (VCV000038399.18), dbSNP rs141028076, ClinGen allele CA343041.

ClinVar aggregate classification (germline): Pathogenic/Likely pathogenic. Review status: criteria provided, multiple submitters, no conflicts (2 of 4 stars). 4 submissions from 4 submitters: Pathogenic (2); Likely pathogenic (2). Last evaluated 2024-10-01.

Conditions:
SLC25A15-related disorder. Also called: SLC25A15-related condition.
Hyperornithinemia-hyperammonemia-homocitrullinuria syndrome (HHHS). Also called: Ornithine translocase deficiency; HHH SYNDROME. Identifiers: Orphanet 415, MedGen C0268540, MONDO:0009393, OMIM 238970.

gnomAD v4.1: 7 of 1,614,178 alleles (0.00043%); highest among the groups gnomAD compares: South Asian, 0.0077%; no homozygotes.

Submissions (4):

Blueprint Genetics
Classification: Likely pathogenic for SLC25A15-related disorders. Last evaluated: 2024-10-01. Review status: criteria provided, single submitter. Criteria: ACMG Guidelines, 2015. Collection method: clinical testing. Allele origin: germline. Affected: yes. Observed: 5 variant alleles.

Natera, Inc.
Classification: Likely pathogenic for Hyperornithinemia-hyperammonemia-homocitrullinuria syndrome. Last evaluated: 2024-06-26. Review status: criteria provided, single submitter. Criteria: Natera Variant Classification Schema (03/2026). Collection method: clinical testing. Allele origin: germline.
Comment: The c.564C>G variant in SLC25A15 is a missense variant predicted to cause substitution of phenylalanine to leucine at amino acid 188. This variant is rare in the general population with a frequency below the threshold expected for the associated phenotype(s). This variant has been observed in one or more individuals affected with the associated recessive disease, as either homozygous or compound heterozygous with a second variant (PMID: 29554876, 33083013). This variant has been identified in one or more affected individuals with a phenotype highly consistent with the associated gene (PMID: 29554876). Functional studies show that this variant may disrupt protein function (PMID: 25818551, 34683364). Computational prediction algorithms indicate this variant is likely to affect gene or protein function. Given the available evidence, this variant is classified as Likely Pathogenic.

Labcorp Genetics (formerly Invitae), Labcorp
Classification: Pathogenic for Hyperornithinemia-hyperammonemia-homocitrullinuria syndrome. Last evaluated: 2024-03-20. Review status: criteria provided, single submitter. Criteria: Invitae Variant Classification Sherloc (09022015). Collection method: clinical testing. Allele origin: germline.
Comment: This sequence change replaces phenylalanine, which is neutral and non-polar, with leucine, which is neutral and non-polar, at codon 188 of the SLC25A15 protein (p.Phe188Leu). This variant is present in population databases (rs141028076, gnomAD 0.006%). This missense change has been observed in individual(s) with clinical features of SLC25A15-related conditions (PMID: 19242930, 29554876). ClinVar contains an entry for this variant (Variation ID: 38399). Advanced modeling of protein sequence and biophysical properties (such as structural, functional, and spatial information, amino acid conservation, physicochemical variation, residue mobility, and thermodynamic stability) has been performed at Invitae for this missense variant, however the output from this modeling did not meet the statistical confidence thresholds required to predict the impact of this variant on SLC25A15 protein function. Experimental studies have shown that this missense change affects SLC25A15 function (PMID: 25818551, 26589310). Algorithms developed to predict the effect of sequence changes on RNA splicing suggest that this variant may disrupt the consensus splice site. This variant disrupts the p.Phe188 amino acid residue in SLC25A15. Other variant(s) that disrupt this residue have been determined to be pathogenic (PMID: 10369256, 12807890, 23430880). This suggests that this residue is clinically significant, and that variants that disrupt this residue are likely to be disease-causing. For these reasons, this variant has been classified as Pathogenic.

CENTOGENE GmbH and LLC - Guiding Precision Medicine
Classification: Pathogenic for Hyperornithinemia-hyperammonemia-homocitrullinuria syndrome. Review status: criteria provided, single submitter. Criteria: ACMG Guidelines, 2015. Collection method: clinical testing. Allele origin: germline. Affected: yes.

Literature cited by the submitters: PubMed 29554876 (cited by Natera, Inc. and Labcorp Genetics (formerly Invitae), Labcorp); PubMed 33083013 (cited by Natera, Inc.); PubMed 25818551 (cited by Natera, Inc. and Labcorp Genetics (formerly Invitae), Labcorp); PubMed 34683364 (cited by Natera, Inc.); PubMed 19242930 (cited by Labcorp Genetics (formerly Invitae), Labcorp); PubMed 26589310 (cited by Labcorp Genetics (formerly Invitae), Labcorp); PubMed 10369256 (cited by Labcorp Genetics (formerly Invitae), Labcorp); PubMed 12807890 (cited by Labcorp Genetics (formerly Invitae), Labcorp); PubMed 23430880 (cited by Labcorp Genetics (formerly Invitae), Labcorp).